The following is an entry in ClinVar:

ClinVar aggregate classification (germline): Pathogenic (1 of 4 stars; one submission).

Conditions:
ATP6V0A2-related disorder. Also called: ATP6V0A2-related condition.

Submission:

3billion
Classification: Pathogenic for ATP6V0A2-related disorder. Last evaluated: 2025-08-11. Review status: criteria provided, single submitter. Criteria: ACMG Guidelines, 2015. Collection method: clinical testing. Allele origin: germline. Affected: yes.
Comment: The variant is not observed in the gnomAD v4.1.0 dataset. Predicted Consequence/Location: Stop-gained (nonsense): predicted to result in a loss or disruption of normal protein function through nonsense-mediated decay (NMD) or protein truncation. Multiple pathogenic variants are reported downstream of the variant. Therefore, this variant is classified as Pathogenic according to the recommendation of ACMG/AMP guideline.

NM_012463.4(ATP6V0A2):c.69C>G (p.Tyr23Ter)

Genes: ATP6V0A2 (ATPase H+ transporting V0 subunit a2; plus strand), LOC130009117 (ATAC-STARR-seq lymphoblastoid silent region 5049; plus strand). Cytogenetic location: 12q24.31.
Variant type: single nucleotide variant.
Coding change: c.69C>G on transcript NM_012463.4 (MANE Select); coding-DNA position 69, C replaced by G.
Protein change: p.Tyr23Ter; replaces tyrosine 23 with a stop codon.
Molecular consequence: nonsense.
Genome position (GRCh38, 1-based): chr12:123,712,634, C>G. VCF-style: chr12-123712634-C-G. GRCh37 (hg19) VCF-style: chr12-124197181-C-G.
Other names: short protein forms Y23*.
Identifiers: ClinVar variation 4856087 (VCV004856087.1).